The following is an entry in ClinVar:

ClinVar aggregate classification (germline): Conflicting classifications of pathogenicity. Review status: criteria provided, conflicting classifications (1 of 4 stars). 2 submissions from 2 submitters: Uncertain significance (1); Likely benign (1). Last evaluated 2025-06-12.

Conditions:
Familial cancer of breast. Also called: Hereditary breast cancer; BREAST CANCER, FAMILIAL; hereditary breast carcinoma. Identifiers: Orphanet 227535, MedGen C0346153, MONDO:0016419, OMIM 114480. Disease mechanism: loss of function.

Submissions (2):

Labcorp Genetics (formerly Invitae), Labcorp
Classification: Likely benign for Familial cancer of breast. Last evaluated: 2025-06-12. Review status: criteria provided, single submitter. Criteria: Invitae Variant Classification Sherloc (09022015). Collection method: clinical testing. Allele origin: germline.

GeneDx
Classification: Uncertain significance. Last evaluated: 2016-11-18. Review status: criteria provided, single submitter. Criteria: GeneDx Variant Classification (06012015). Collection method: clinical testing. Allele origin: germline. Affected: yes.
Comment: This variant is denoted BARD1 c.1395+17_1395+20delTATT or IVS5+17_IVS5+20delTATT and consists of a deletion of four nucleotides at the +17 to +20 position in intron 5 of the BARD1 gene. The normal sequence with the bases that are deleted in brackets is gtttt[deltatt]ctca. This variant has not, to our knowledge, been published in the literature as pathogenic or benign. BARD1 c.1395+17_1395+20delTATT was not observed in approximately 6,500 individuals of European and African American ancestry in the NHLBI Exome Sequencing Project, suggesting it is not a common benign variant in these populations. The nucleotides that are deleted are not conserved. In silico models are inconclusive with respect to splicing, and in the absence of RNA or functional studies, the actual effect of this variant is unknown. Therefore, based on currently available information, it is unclear whether BARD1 c.1395+17_1395+20delTATT is pathogenic or benign. We consider it to be a variant of uncertain significance.

NM_000465.4(BARD1):c.1395+17_1395+20del

Gene: BARD1 (BRCA1 associated RING domain 1; minus strand). Cytogenetic location: 2q35.
Variant type: Deletion.
Coding change: c.1395+17_1395+20del on transcript NM_000465.4 (MANE Select); bases 17 to 20 of the intron after coding-DNA position 1395, 4 bases deleted (TATT; older notation c.1395+17_1395+20delTATT).
Molecular consequence: intron variant.
Genome position (GRCh38, 1-based): chr2:214,769,212-214,769,215, AATA deleted on the plus strand (TATT on the coding strand, the reverse complement: BARD1 is on the minus strand); deleting any 4 consecutive bases within chr2:214,769,212-214,769,217 gives the same sequence; the c. name uses the placement nearest the transcript's 3' end. VCF-style (leftmost placement, unchanged base first): chr2-214769211-GAATA-G. GRCh37 (hg19) VCF-style: chr2-215633935-GAATA-G.
Other names: c.159-16660_159-16657del (NM_001282548.2); c.1338+17_1338+20del (NM_001282543.2); c.216-16660_216-16657del (NM_001282545.2); c.364+23082_364+23085del (NM_001282549.2); c.1395+17_1395+20delTATT (NM_000465.2).
Identifiers: ClinVar variation 422760 (VCV000422760.10), dbSNP rs1064795979, ClinGen allele CA16617439.